The following is an entry in ClinVar:

NM_000507.4(FBP1):c.705+14C>T

Gene: FBP1 (fructose-bisphosphatase 1; minus strand). Cytogenetic location: 9q22.32.
Variant type: single nucleotide variant.
Coding change: c.705+14C>T on transcript NM_000507.4 (MANE Select); 14 bases into the intron after coding-DNA position 705, C replaced by T.
Molecular consequence: intron variant.
Genome position (GRCh38, 1-based): chr9:94,606,801, G>A on the plus strand (C>T on the coding strand, the complement: FBP1 is on the minus strand). VCF-style: chr9-94606801-G-A. GRCh37 (hg19) VCF-style: chr9-97369083-G-A.
Other names: p.?; c.705+14C>T (NM_001127628.2).
Identifiers: ClinVar variation 256324 (VCV000256324.20), dbSNP rs2297084, ClinGen allele CA5136159.

ClinVar aggregate classification (germline): Benign. Review status: criteria provided, multiple submitters, no conflicts (2 of 4 stars). 8 submissions from 8 submitters: Benign (8). Last evaluated 2026-02-04.

Conditions:
Fructose-biphosphatase deficiency (FBP1D). Also called: Fructose-1,6-Bisphosphatase 1 Deficiency; Fructose 1,6 Bisphosphatase Deficiency; Fructose-1,6-Diphosphatase Deficiency. Identifiers: Orphanet 348, MedGen C0016756, MONDO:0009251, OMIM 229700.

Allele frequency attached by ClinVar (database versions not stated): 1000 Genomes Project 0.48323; 1000 Genomes Project 30x 0.48595; ESP Exome Variant Server 0.50308; gnomAD 0.50744 and 0.51109; gnomAD exomes 0.51655; TOPMed 0.52521; ExAC 0.52659.

Submissions (8):

Labcorp Genetics (formerly Invitae), Labcorp
Classification: Benign for Fructose-biphosphatase deficiency. Last evaluated: 2026-02-04. Review status: criteria provided, single submitter. Criteria: Invitae Variant Classification Sherloc (09022015). Collection method: clinical testing. Allele origin: germline.

Blueprint Genetics
Classification: Benign. Last evaluated: 2024-11-27. Review status: criteria provided, single submitter. Criteria: ACMG Guidelines, 2015. Collection method: clinical testing. Allele origin: germline.

Mayo Clinic Laboratories, Mayo Clinic
Classification: Benign. Last evaluated: 2022-05-05. Review status: criteria provided, single submitter. Criteria: ACMG Guidelines, 2015. Collection method: clinical testing. Allele origin: germline. Observed: 571 variant alleles.

Genome-Nilou Lab
Classification: Benign for Fructose-biphosphatase deficiency. Last evaluated: 2021-08-10. Review status: criteria provided, single submitter. Criteria: ACMG Guidelines, 2015. Collection method: clinical testing. Allele origin: germline. Affected: no.

Illumina Laboratory Services, Illumina
Classification: Benign for Fructose-biphosphatase deficiency. Last evaluated: 2018-01-13. Review status: criteria provided, single submitter. Criteria: ICSL Variant Classification Criteria 13 December 2019. Collection method: clinical testing. Allele origin: germline.
Comment: This variant was observed in the ICSL laboratory as part of a predisposition screen in an ostensibly healthy population. It had not been previously curated by ICSL or reported in the Human Gene Mutation Database (HGMD: prior to June 1st, 2018), and was therefore a candidate for classification through an automated scoring system. Utilizing variant allele frequency, disease prevalence and penetrance estimates, and inheritance mode, an automated score was calculated to assess if this variant is too frequent to cause the disease. Based on the score and internal cut-off values, a variant classified as benign is not then subjected to further curation. The score for this variant resulted in a classification of benign for this disease.

GeneDx
Classification: Benign. Last evaluated: 2015-03-03. Review status: criteria provided, single submitter. Criteria: GeneDx Variant Classification Process June 2021. Collection method: clinical testing. Allele origin: germline. Affected: yes.

Breakthrough Genomics
Classification: Benign. Review status: criteria provided, single submitter. Criteria: ACMG Guidelines, 2015. Collection method: not provided. Allele origin: germline. Inheritance: Autosomal recessive inheritance. Affected: yes.

PreventionGenetics, part of Exact Sciences
Classification: Benign. Review status: criteria provided, single submitter. Criteria: ACMG Guidelines, 2015. Collection method: clinical testing. Allele origin: germline.